The following is an entry in ClinVar:

ClinVar aggregate classification (germline): Uncertain significance. Review status: criteria provided, multiple submitters, no conflicts (2 of 4 stars). 5 submissions from 5 submitters: Uncertain significance (5). Last evaluated 2024-01-05.

Conditions:
Imerslund-Grasbeck syndrome type 1 (IGS1). Also called: Megaloblastic anemia 1, Finnish type; MEGALOBLASTIC ANEMIA, 1; Imerslund-Gräsbeck syndrome 1. Identifiers: MedGen C4016819, MONDO:0100156, OMIM 261100.
Imerslund-Grasbeck syndrome. Also called: Megaloblastic anemia due to inborn errors of metabolism; Imerslund-Gräsbeck syndrome; ENTEROCYTE COBALAMIN MALABSORPTION; ENTEROCYTE INTRINSIC FACTOR RECEPTOR, DEFECT OF; PERNICIOUS ANEMIA, JUVENILE, DUE TO SELECTIVE INTESTINAL MALABSORPTION OF VITAMIN B12, WITH PROTEINURIA. Identifiers: Orphanet 35858, MedGen C4551825, MONDO:0009853.
Proteinuria, chronic benign. Identifiers: MedGen C5394384, MONDO:0030042, OMIM 618884.

gnomAD v4.1: 272 of 1,613,932 alleles (0.017%); highest among the groups gnomAD compares: Middle Eastern, 0.12%; no homozygotes.

Submissions (5):

Fulgent Genetics
Classification: Uncertain significance for Imerslund-Grasbeck syndrome type 1; Proteinuria, chronic benign. Last evaluated: 2024-01-05. Review status: criteria provided, single submitter. Criteria: ACMG Guidelines, 2015. Collection method: clinical testing. Allele origin: germline.

Labcorp Genetics (formerly Invitae), Labcorp
Classification: Uncertain significance for Imerslund-Grasbeck syndrome. Last evaluated: 2022-08-20. Review status: criteria provided, single submitter. Criteria: Invitae Variant Classification Sherloc (09022015). Collection method: clinical testing. Allele origin: germline.
Comment: This sequence change replaces valine, which is neutral and non-polar, with leucine, which is neutral and non-polar, at codon 1769 of the CUBN protein (p.Val1769Leu). This variant is present in population databases (rs74116778, gnomAD 0.03%). This variant has not been reported in the literature in individuals affected with CUBN-related conditions. ClinVar contains an entry for this variant (Variation ID: 299463). Algorithms developed to predict the effect of missense changes on protein structure and function output the following: SIFT: "Tolerated"; PolyPhen-2: "Benign"; Align-GVGD: "Class C0". The leucine amino acid residue is found in multiple mammalian species, which suggests that this missense change does not adversely affect protein function. In summary, the available evidence is currently insufficient to determine the role of this variant in disease. Therefore, it has been classified as a Variant of Uncertain Significance.

Baylor Genetics
Classification: Uncertain significance for Imerslund-Grasbeck syndrome type 1. Last evaluated: 2019-01-18. Review status: criteria provided, single submitter. Criteria: ACMG Guidelines, 2015. Collection method: clinical testing. Allele origin: paternal. Affected: yes.
Comment: This variant was determined to be of uncertain significance according to ACMG Guidelines, 2015 [PMID:25741868].

Illumina Laboratory Services, Illumina
Classification: Uncertain significance for Imerslund-Grasbeck syndrome type 1. Last evaluated: 2018-01-13. Review status: criteria provided, single submitter. Criteria: ICSL Variant Classification Criteria 13 December 2019. Collection method: clinical testing. Allele origin: germline.

Breakthrough Genomics
Classification: Uncertain significance. Review status: criteria provided, single submitter. Criteria: ACMG Guidelines, 2015. Collection method: not provided. Allele origin: germline. Inheritance: Autosomal recessive inheritance. Affected: yes.

NM_001081.4(CUBN):c.5305G>C (p.Val1769Leu)

Gene: CUBN (cubilin; minus strand). Cytogenetic location: 10p13.
Variant type: single nucleotide variant.
Coding change: c.5305G>C on transcript NM_001081.4 (MANE Select); coding-DNA position 5305, G replaced by C.
Protein change: p.Val1769Leu; replaces valine 1769 with leucine.
Molecular consequence: missense variant.
Genome position (GRCh38, 1-based): chr10:16,947,272, C>G on the plus strand (G>C on the coding strand, the complement: CUBN is on the minus strand). VCF-style: chr10-16947272-C-G. GRCh37 (hg19) VCF-style: chr10-16989271-C-G.
Other names: short protein forms V1769L.
Identifiers: ClinVar variation 299463 (VCV000299463.9), dbSNP rs74116778, ClinGen allele CA5424057.
Genomic context (GRCh38, chr10:16,947,272, plus strand): 5'-ATACACCATAAAAAAGGATTTACATAAAAGACAGCTGGAGCCGGTTGCCAGGGGAACTGA[C>G]GATGTTCCAGACACATTCCACATTAGGGGGATAAATGTCTGGGTAGCCAGGGCTGTTGAA-3'
Protein context (NP_001072.2, residues 1759-1779): PPNVECVWNI[Val1769Leu]SSPGNRLQLS